The following is an entry in ClinVar:

ClinVar aggregate classification (germline): Likely benign (1 of 4 stars; one submission).

Submission:

CeGaT Center for Human Genetics Tuebingen
Classification: Likely benign. Last evaluated: 2026-05-01. Review status: criteria provided, single submitter. Criteria: CeGaT Center For Human Genetics Tuebingen Variant Classification Criteria Version 2. Collection method: clinical testing. Allele origin: germline. Affected: yes. Observed: 1 variant allele.
Comment: ZNF280B: PM2:Supporting, BP4, BP7

NM_080764.4(ZNF280B):c.1404G>A (p.Gln468=)

Genes: IGL (immunoglobulin lambda locus; plus strand), ZNF280B (zinc finger protein 280B; minus strand). Cytogenetic location: 22q11.22.
Variant type: single nucleotide variant.
Coding change: c.1404G>A on transcript NM_080764.4 (MANE Select); coding-DNA position 1404, G replaced by A.
Protein change: p.Gln468=; no amino-acid change (glutamine 468 retained).
Molecular consequence: synonymous variant. On other transcripts: non-coding transcript variant (1).
Genome position (GRCh38, 1-based): chr22:22,487,995, C>T on the plus strand (G>A on the coding strand, the complement: ZNF280B is on the minus strand). VCF-style: chr22-22487995-C-T. GRCh37 (hg19) VCF-style: chr22-22842320-C-T.
Identifiers: ClinVar variation 4873142 (VCV004873142.2).